The following is an entry in ClinVar:

NM_020207.7(ERCC6L2):c.3670C>T (p.Arg1224Cys)

Gene: ERCC6L2 (ERCC excision repair 6 like 2; plus strand). Cytogenetic location: 9q22.32.
Variant type: single nucleotide variant.
Coding change: c.3670C>T on transcript NM_020207.7 (MANE Select); coding-DNA position 3670, C replaced by T.
Protein change: p.Arg1224Cys; replaces arginine 1224 with cysteine.
Molecular consequence: missense variant. On other transcripts: non-coding transcript variant (1).
Genome position (GRCh38, 1-based): chr9:96,004,697, C>T. VCF-style: chr9-96004697-C-T. GRCh37 (hg19) VCF-style: chr9-98766979-C-T.
Other names: c.3670C>T, p.Arg1224Cys (NM_001375291.1, NM_001375292.1); short protein forms R1224C.
Identifiers: ClinVar variation 1390175 (VCV001390175.3), dbSNP rs1833805224, ClinGen allele CA466117247.

ClinVar aggregate classification (germline): Uncertain significance (1 of 4 stars; one submission).

Allele frequency attached by ClinVar (database versions not stated): gnomAD exomes below 0.00001.
gnomAD v4.1: 4 of 1,338,732 alleles (0.0003%); highest among the groups gnomAD compares: Non-Finnish European, 0.0004%; no homozygotes.

Submission:

Labcorp Genetics (formerly Invitae), Labcorp
Classification: Uncertain significance. Last evaluated: 2021-11-01. Review status: criteria provided, single submitter. Criteria: Invitae Variant Classification Sherloc (09022015). Collection method: clinical testing. Allele origin: germline.
Comment: This sequence change replaces arginine, which is basic and polar, with cysteine, which is neutral and slightly polar, at codon 1235 of the ERCC6L2 protein (p.Arg1235Cys). This variant is not present in population databases (gnomAD no frequency). This variant has not been reported in the literature in individuals affected with ERCC6L2-related conditions. Algorithms developed to predict the effect of missense changes on protein structure and function are either unavailable or do not agree on the potential impact of this missense change (SIFT: "Tolerated"; PolyPhen-2: "Not Available"; Align-GVGD: "Class C0"). In summary, the available evidence is currently insufficient to determine the role of this variant in disease. Therefore, it has been classified as a Variant of Uncertain Significance.